The following is an entry in ClinVar:

ClinVar aggregate classification (germline): Uncertain significance (1 of 4 stars; one submission).

gnomAD v4.1: 2 of 1,613,924 alleles (0.00012%); highest among the groups gnomAD compares: Non-Finnish European, 0.00017%; no homozygotes.

Submission:

Mayo Clinic Laboratories, Mayo Clinic
Classification: Uncertain significance. Last evaluated: 2025-07-24. Review status: criteria provided, single submitter. Criteria: ACMG Guidelines, 2015. Collection method: clinical testing. Allele origin: germline. Observed: 1 variant allele.
Comment: PP3, PM2_supporting

NM_000398.7(CYB5R3):c.625G>C (p.Ala209Pro)

Gene: CYB5R3 (cytochrome b5 reductase 3; minus strand). Cytogenetic location: 22q13.2.
Variant type: single nucleotide variant.
Coding change: c.625G>C on transcript NM_000398.7 (MANE Select); coding-DNA position 625, G replaced by C.
Protein change: p.Ala209Pro; replaces alanine 209 with proline.
Molecular consequence: missense variant.
Genome position (GRCh38, 1-based): chr22:42,627,312, C>G on the plus strand (G>C on the coding strand, the complement: CYB5R3 is on the minus strand). VCF-style: chr22-42627312-C-G. GRCh37 (hg19) VCF-style: chr22-43023318-C-G.
Other names: p.Ala209Pro; c.556G>C, p.Ala186Pro (NM_001129819.2, NM_001171661.1, NM_007326.4); c.724G>C, p.Ala242Pro (NM_001171660.2); short protein forms A186P, A209P, A242P.
Identifiers: ClinVar variation 4542456 (VCV004542456.1).